The following is an entry in ClinVar:

ClinVar aggregate classification (germline): Uncertain significance (1 of 4 stars; one submission).

Conditions:
Neurodegeneration with brain iron accumulation 8. Identifiers: MedGen C4693587, MONDO:0054764, OMIM 617917.

Submission:

Juno Genomics, Hangzhou Juno Genomics, Inc
Classification: Uncertain significance for Neurodegeneration with brain iron accumulation 8. Review status: criteria provided, single submitter. Criteria: ACMG Guidelines, 2015. Collection method: clinical testing. Allele origin: germline. Affected: yes.
Comment: Absent from controls (or at extremely low frequency if recessive) in Genome Aggregation Database, Exome Sequencing Project, 1000 Genomes Project, or Exome Aggregation Consortium.

NM_000755.5(CRAT):c.982C>T (p.Gln328Ter)

Gene: CRAT (carnitine O-acetyltransferase; minus strand). Cytogenetic location: 9q34.11.
Variant type: single nucleotide variant.
Coding change: c.982C>T on transcript NM_000755.5 (MANE Select); coding-DNA position 982, C replaced by T.
Protein change: p.Gln328Ter; replaces glutamine 328 with a stop codon.
Molecular consequence: nonsense.
Genome position (GRCh38, 1-based): chr9:129,100,513, G>A on the plus strand (C>T on the coding strand, the complement: CRAT is on the minus strand). VCF-style: chr9-129100513-G-A. GRCh37 (hg19) VCF-style: chr9-131862792-G-A.
Other names: c.919C>T, p.Gln307Ter (NM_001257363.3, NM_001346548.2, NM_004003.4); c.985C>T, p.Gln329Ter (NM_001346546.2); c.982C>T, p.Gln328Ter (NM_001346547.2); c.862C>T, p.Gln288Ter (NM_001346549.2); short protein forms Q288*, Q307*, Q328*, Q329*.
Identifiers: ClinVar variation 3382099 (VCV003382099.2).